The following is an entry in ClinVar:

ClinVar aggregate classification (germline): Uncertain significance. Review status: criteria provided, multiple submitters, no conflicts (2 of 4 stars). 2 submissions from 2 submitters: Uncertain significance (2). Last evaluated 2024-02-01.

Conditions:
Autosomal dominant Parkinson disease 8. Also called: LRRK2-Related Parkinson Disease; Parkinson disease 8; Parkinson disease 8, susceptibility to. Identifiers: Orphanet 411602, MedGen C1846862, MONDO:0011764, OMIM 607060.
Inborn genetic diseases. Identifiers: MedGen C0950123, MeSH D030342.

Allele frequency attached by ClinVar (database versions not stated): gnomAD exomes below 0.00001; TOPMed below 0.00001; ExAC 0.00001; gnomAD 0.00001.
gnomAD v4.1: 7 of 1,612,020 alleles (0.00043%); highest among the groups gnomAD compares: South Asian, 0.0055%; no homozygotes.

Submissions (2):

Neuberg Centre For Genomic Medicine, NCGM
Classification: Uncertain significance for Autosomal dominant Parkinson disease 8. Last evaluated: 2024-02-01. Review status: criteria provided, single submitter. Criteria: ACMG Guidelines, 2015. Collection method: clinical testing. Allele origin: germline. Inheritance: Autosomal dominant inheritance. Affected: yes.

Ambry Genetics
Classification: Uncertain significance for Inborn genetic diseases. Last evaluated: 2023-02-27. Review status: criteria provided, single submitter. Criteria: Ambry Variant Classification Scheme 2023. Collection method: clinical testing. Allele origin: germline.
Comment: The p.P261L variant (also known as c.782C>T), located in coding exon 7 of the LRRK2 gene, results from a C to T substitution at nucleotide position 782. The proline at codon 261 is replaced by leucine, an amino acid with similar properties. This amino acid position is conserved. In addition, the in silico prediction for this alteration is inconclusive. Since supporting evidence is limited at this time, the clinical significance of this alteration remains unclear.

NM_198578.4(LRRK2):c.782C>T (p.Pro261Leu)

Gene: LRRK2 (leucine rich repeat kinase 2; plus strand). Cytogenetic location: 12q12.
Variant type: single nucleotide variant.
Coding change: c.782C>T on transcript NM_198578.4 (MANE Select); coding-DNA position 782, C replaced by T.
Protein change: p.Pro261Leu; replaces proline 261 with leucine.
Molecular consequence: missense variant.
Genome position (GRCh38, 1-based): chr12:40,243,625, C>T. VCF-style: chr12-40243625-C-T. GRCh37 (hg19) VCF-style: chr12-40637427-C-T.
Other names: short protein forms P261L.
Identifiers: ClinVar variation 2453132 (VCV002453132.4), dbSNP rs757923299, ClinGen allele CA6513188.